The following is an entry in ClinVar:

ClinVar aggregate classification (germline): Pathogenic (1 of 4 stars; one submission).

Conditions:
Primary ciliary dyskinesia 28. Also called: CILIARY DYSKINESIA, PRIMARY, 28, WITH OR WITHOUT SITUS INVERSUS. Identifiers: Orphanet 244, MedGen C3809706, MONDO:0014216, OMIM 615505.

Submission:

Labcorp Genetics (formerly Invitae), Labcorp
Classification: Pathogenic for Ciliary dyskinesia, primary, 28. Last evaluated: 2019-07-09. Review status: criteria provided, single submitter. Criteria: Invitae Variant Classification Sherloc (09022015). Collection method: clinical testing. Allele origin: germline.
Comment: This variant is a gross deletion of the genomic region encompassing exon 2 of the SPAG1 gene, which includes the initiator codon. The 5' end of this event is unknown as it extends beyond the assayed region for this gene and therefore may encompass the non-coding exon 1 and/or additional genes. The 3' boundary is likely confined to intron 2 of the SPAG1 gene. This is expected to result in an absent or disrupted protein product. Loss-of-function variants in SPAG1 are known to be pathogenic. A deletion that includes the non-coding exon 1 and exon 2 has been reported in individuals affected with primary ciliary dyskinesia (PMID: 27637300, 24055112). For these reasons, this variant has been classified as Pathogenic.

Literature cited by the submitters: PubMed 24055112; PubMed 27637300.

NC_000008.11:g.(?_100162261)_(100162440_?)del

Gene: SPAG1 (sperm associated antigen 1; plus strand). Cytogenetic location: 8q22.2.
Variant type: Deletion.
Identifiers: ClinVar variation 474645 (VCV000474645.2).